The following is an entry in ClinVar:

NM_020433.5(JPH2):c.2066T>C (p.Ile689Thr)

Gene: JPH2 (junctophilin 2; minus strand). Cytogenetic location: 20q13.12.
Variant type: single nucleotide variant.
Coding change: c.2066T>C on transcript NM_020433.5 (MANE Select); coding-DNA position 2066, T replaced by C.
Protein change: p.Ile689Thr; replaces isoleucine 689 with threonine.
Molecular consequence: missense variant.
Genome position (GRCh38, 1-based): chr20:44,114,821, A>G on the plus strand (T>C on the coding strand, the complement: JPH2 is on the minus strand). VCF-style: chr20-44114821-A-G. GRCh37 (hg19) VCF-style: chr20-42743461-A-G.
Other names: short protein forms I689T.
Identifiers: ClinVar variation 2418257 (VCV002418257.8), dbSNP rs2515716926, ClinGen allele CA409099364.

ClinVar aggregate classification (germline): Uncertain significance. Review status: criteria provided, multiple submitters, no conflicts (2 of 4 stars). 2 submissions from 2 submitters: Uncertain significance (2). Last evaluated 2023-12-04.

Conditions:
Hypertrophic cardiomyopathy. Also called: HYPERTROPHIC MYOCARDIOPATHY. Identifiers: Orphanet 217569, MedGen C0007194, MeSH D002312, MONDO:0005045, HP:0001639.

Allele frequency attached by ClinVar (database versions not stated): gnomAD exomes 0.00001.
gnomAD v4.1: 8 of 1,607,378 alleles (0.0005%); highest among the groups gnomAD compares: Non-Finnish European, 0.00068%; no homozygotes.

Submissions (2):

GeneDx
Classification: Uncertain significance. Last evaluated: 2023-12-04. Review status: criteria provided, single submitter. Criteria: GeneDx Variant Classification Process June 2021. Collection method: clinical testing. Allele origin: germline.
Comment: Has not been previously published as pathogenic or benign to our knowledge; Not observed at significant frequency in large population cohorts (gnomAD); In silico analysis supports that this missense variant has a deleterious effect on protein structure/function

Labcorp Genetics (formerly Invitae), Labcorp
Classification: Uncertain significance for Hypertrophic cardiomyopathy. Last evaluated: 2022-07-22. Review status: criteria provided, single submitter. Criteria: Invitae Variant Classification Sherloc (09022015). Collection method: clinical testing. Allele origin: germline.
Comment: This sequence change replaces isoleucine, which is neutral and non-polar, with threonine, which is neutral and polar, at codon 689 of the JPH2 protein (p.Ile689Thr). This variant is not present in population databases (gnomAD no frequency). This variant has not been reported in the literature in individuals affected with JPH2-related conditions. Algorithms developed to predict the effect of missense changes on protein structure and function are either unavailable or do not agree on the potential impact of this missense change (SIFT: "Deleterious"; PolyPhen-2: "Probably Damaging"; Align-GVGD: "Class C0"). In summary, the available evidence is currently insufficient to determine the role of this variant in disease. Therefore, it has been classified as a Variant of Uncertain Significance.